The following is an entry in ClinVar:

NM_000352.6(ABCC8):c.2116+1G>T

Gene: ABCC8 (ATP binding cassette subfamily C member 8; minus strand). Cytogenetic location: 11p15.1.
Variant type: single nucleotide variant.
Coding change: c.2116+1G>T on transcript NM_000352.6 (MANE Select); the canonical splice donor site of the intron after coding-DNA position 2116, G replaced by T.
Molecular consequence: splice donor variant.
Genome position (GRCh38, 1-based): chr11:17,427,866, C>A on the plus strand (G>T on the coding strand, the complement: ABCC8 is on the minus strand). VCF-style: chr11-17427866-C-A. GRCh37 (hg19) VCF-style: chr11-17449413-C-A.
Other names: c.2116+1G>T (NM_000352.4, NM_001287174.3); c.2113+1G>T (NM_001351297.2, NM_001351296.2); c.2182+1G>T (NM_001351295.2).
Identifiers: ClinVar variation 556689 (VCV000556689.13), dbSNP rs1554924540, ClinGen allele CA379814664.

ClinVar aggregate classification (germline): Pathogenic/Likely pathogenic. Review status: criteria provided, multiple submitters, no conflicts (2 of 4 stars). 5 submissions from 5 submitters: Pathogenic (2); Likely pathogenic (2). 1 of the submissions does not count toward it. Last evaluated 2025-03-21.

Conditions:
ABCC8-related disorder.
Hyperinsulinemic hypoglycemia, familial, 1 (HHF1). Also called: Persistent Hyperinsulinemia Hypoglycemia of Infancy; Persistent hyperinsulinemic hypoglycemia of infancy; HYPERINSULINISM, FAMILIAL, WITH PANCREATIC NESIDIOBLASTOSIS; HYPOGLYCEMIA, HYPERINSULINEMIC, OF INFANCY; NESIDIOBLASTOSIS OF PANCREAS. Identifiers: Orphanet 276575, Orphanet 276598, MedGen C2931832, MONDO:0009734, OMIM 256450.
Type 2 diabetes mellitus. Also called: Type II diabetes mellitus. Identifiers: MedGen C0011860, MeSH D003924, MONDO:0005148, OMIM 125853, HP:0005978.

Submissions (5):

PreventionGenetics, part of Exact Sciences
Classification: Pathogenic for ABCC8-related condition. Last evaluated: 2025-03-21. Review status: criteria provided, single submitter. Criteria: ACMG Guidelines, 2015. Collection method: clinical testing. Allele origin: germline.
Comment: The ABCC8 c.2116+1G>T variant is predicted to disrupt the GT donor site and interfere with normal splicing. This variant has been reported in the heterozygous state in an individual with hyperinsulinism (Suchi et al. 2003. PubMed ID: 14692646). This variant has not been reported in a large population database (gnomAD), indicating it is rare. Other variants affecting this splice site (c.2116+1G>C, c.2116+2T>C, c.2116+3A>G) have also been reported in individuals with hyperinsulinism (Craigie et al. 2018. PubMed ID: 30386300; Bellanné-Chantelot et al. 2010. PubMed ID: 20685672; Tornovsky et al. 2004. PubMed ID: 15579781). Variants that disrupt the consensus splice donor site in ABCC8 are expected to be pathogenic. This variant is interpreted as pathogenic.

Labcorp Genetics (formerly Invitae), Labcorp
Classification: Likely pathogenic. Last evaluated: 2024-03-11. Review status: criteria provided, single submitter. Criteria: Invitae Variant Classification Sherloc (09022015). Collection method: clinical testing. Allele origin: germline.
Comment: This sequence change affects a donor splice site in intron 15 of the ABCC8 gene. It is expected to disrupt RNA splicing. Variants that disrupt the donor or acceptor splice site typically lead to a loss of protein function (PMID: 16199547), and loss-of-function variants in ABCC8 are known to be pathogenic (PMID: 20685672, 23345197). This variant is not present in population databases (gnomAD no frequency). Disruption of this splice site has been observed in individual(s) with autosomal recessive focal hyperinsulinism (PMID: 14692646, 30386300). ClinVar contains an entry for this variant (Variation ID: 556689). Algorithms developed to predict the effect of sequence changes on RNA splicing suggest that this variant may disrupt the consensus splice site. In summary, the currently available evidence indicates that the variant is pathogenic, but additional data are needed to prove that conclusively. Therefore, this variant has been classified as Likely Pathogenic.

Baylor Genetics
Classification: Pathogenic for Type 2 diabetes mellitus. Last evaluated: 2021-12-20. Review status: criteria provided, single submitter. Criteria: ACMG Guidelines, 2015. Collection method: clinical testing. Allele origin: unknown.

Genetic Services Laboratory, University of Chicago
Classification: Likely pathogenic. Last evaluated: 2021-10-07. Review status: criteria provided, single submitter. Criteria: ACMG Guidelines, 2015. Collection method: clinical testing. Allele origin: germline. Affected: yes.

Counsyl
Classification: Likely pathogenic for Hyperinsulinemic hypoglycemia, familial, 1. Last evaluated: 2018-02-13. Review status: no assertion criteria provided. Collection method: clinical testing. Allele origin: unknown. Not counted in ClinVar's aggregate classification.

Literature cited by the submitters: PubMed 16199547 (cited by Labcorp Genetics (formerly Invitae), Labcorp); PubMed 20685672 (cited by Labcorp Genetics (formerly Invitae), Labcorp); PubMed 23345197 (cited by Labcorp Genetics (formerly Invitae), Labcorp); PubMed 14692646 (cited by Labcorp Genetics (formerly Invitae), Labcorp and Counsyl); PubMed 30386300 (cited by Labcorp Genetics (formerly Invitae), Labcorp).